The following is an entry in ClinVar:

ClinVar aggregate classification (germline): Uncertain significance (1 of 4 stars; one submission).

Conditions:
Cardiovascular phenotype. Identifiers: MedGen CN230736.

Allele frequency attached by ClinVar (database versions not stated): gnomAD exomes below 0.00001; ExAC 0.00001.

Submission:

Ambry Genetics
Classification: Uncertain significance for Cardiovascular phenotype. Last evaluated: 2021-10-06. Review status: criteria provided, single submitter. Criteria: Ambry Variant Classification Scheme 2023. Collection method: clinical testing. Allele origin: germline.
Comment: The p.M1082I variant (also known as c.3246G>T), located in coding exon 15 of the MYPN gene, results from a G to T substitution at nucleotide position 3246. The methionine at codon 1082 is replaced by isoleucine, an amino acid with highly similar properties. This amino acid position is conserved. In addition, this alteration is predicted to be tolerated by in silico analysis. Since supporting evidence is limited at this time, the clinical significance of this alteration remains unclear.

NM_032578.4(MYPN):c.3246G>T (p.Met1082Ile)

Gene: MYPN (myopalladin; plus strand). Cytogenetic location: 10q21.3.
Variant type: single nucleotide variant.
Coding change: c.3246G>T on transcript NM_032578.4 (MANE Select); coding-DNA position 3246, G replaced by T.
Protein change: p.Met1082Ile; replaces methionine 1082 with isoleucine.
Molecular consequence: missense variant. On other transcripts: non-coding transcript variant (2).
Genome position (GRCh38, 1-based): chr10:68,197,439, G>T. VCF-style: chr10-68197439-G-T. GRCh37 (hg19) VCF-style: chr10-69957196-G-T.
Other names: c.3246G>T, p.Met1082Ile (NM_001256267.2); c.2364G>T, p.Met788Ile (NM_001256268.2); short protein forms M1082I, M788I.
Identifiers: ClinVar variation 1729345 (VCV001729345.2), dbSNP rs757233266, ClinGen allele CA5522992.
Genomic context (GRCh38, chr10:68,197,439, plus strand): 5'-CAAAGAGCCCCTACAGGAACGCTTTTTCCGACCACATTTCCTGCAGGCTCCTGGGGATAT[G>T]GTAGCTCATGAGGGGCGCCTCTGTCGGCTGGACTGTAAGGTAGACTCCAGCACCCATGCT-3'
Protein context (NP_115967.2, residues 1072-1092): RPHFLQAPGD[Met1082Ile]VAHEGRLCRL